The following is an entry in ClinVar:

NM_001206979.2(NR1H4):c.831+1G>T

Gene: NR1H4 (nuclear receptor subfamily 1 group H member 4; plus strand). Cytogenetic location: 12q23.1.
Variant type: single nucleotide variant.
Coding change: c.831+1G>T on transcript NM_001206979.2 (MANE Select); the canonical splice donor site of the intron after coding-DNA position 831, G replaced by T.
Molecular consequence: splice donor variant.
Genome position (GRCh38, 1-based): chr12:100,536,611, G>T. VCF-style: chr12-100536611-G-T. GRCh37 (hg19) VCF-style: chr12-100930389-G-T.
Other names: c.831+1G>T (NM_001206977.2); c.819+1G>T (NM_005123.4); c.678+1G>T (NM_001206978.2); c.861+1G>T (NM_001206993.2); c.849+1G>T (NM_001206992.2).
Identifiers: ClinVar variation 1683627 (VCV001683627.2), dbSNP rs1555335782, ClinGen allele CA386228599.

ClinVar aggregate classification (germline): Likely pathogenic (1 of 4 stars; one submission).

Conditions:
Cholestasis, progressive familial intrahepatic, 5 (PFIC5). Identifiers: Orphanet 480476, MedGen C4310747, MONDO:0014884, OMIM 617049.

Allele frequency attached by ClinVar (database versions not stated): gnomAD exomes below 0.00001.
gnomAD v4.1: 1 of 1,453,606 alleles (0.000069%); highest among the groups gnomAD compares: Non-Finnish European, 0.000097%; no homozygotes.

Submission:

Laboratorio de Genetica e Diagnostico Molecular, Hospital Israelita Albert Einstein
Classification: Likely pathogenic for Cholestasis, progressive familial intrahepatic, 5. Last evaluated: 2021-10-19. Review status: criteria provided, single submitter. Criteria: ACMG Guidelines, 2015. Collection method: clinical testing. Allele origin: germline. Affected: yes.
Comment: ACMG classification criteria: PVS1 strong, PM2 moderate